The following is an entry in ClinVar:

NM_000156.6(GAMT):c.151C>G (p.His51Asp)

Genes: GAMT (guanidinoacetate N-methyltransferase; minus strand), LOC130062945 (ATAC-STARR-seq lymphoblastoid silent region 9707; plus strand). Cytogenetic location: 19p13.3.
Variant type: single nucleotide variant.
Coding change: c.151C>G on transcript NM_000156.6 (MANE Select); coding-DNA position 151, C replaced by G.
Protein change: p.His51Asp; replaces histidine 51 with aspartic acid.
Molecular consequence: missense variant.
Genome position (GRCh38, 1-based): chr19:1,401,326, G>C on the plus strand (C>G on the coding strand, the complement: GAMT is on the minus strand). VCF-style: chr19-1401326-G-C. GRCh37 (hg19) VCF-style: chr19-1401325-G-C.
Other names: c.151C>G, p.His51Asp (NM_138924.3); short protein forms H51D.
Identifiers: ClinVar variation 429489 (VCV000429489.8), dbSNP rs1131691409, ClinGen allele CA402998055.

ClinVar aggregate classification (germline): Uncertain significance. Review status: criteria provided, multiple submitters, no conflicts (2 of 4 stars). 2 submissions from 2 submitters: Uncertain significance (2). Last evaluated 2022-10-13.

Conditions:
Cerebral creatine deficiency syndrome. Also called: Creatine deficiency syndromes. Identifiers: Orphanet 79172, MedGen C5244016, MONDO:0000456.

Allele frequency attached by ClinVar (database versions not stated): gnomAD exomes 0.00001.
gnomAD v4.1: 4 of 1,525,236 alleles (0.00026%); highest among the groups gnomAD compares: Non-Finnish European, 0.00035%; no homozygotes.

Submissions (2):

Labcorp Genetics (formerly Invitae), Labcorp
Classification: Uncertain significance for Cerebral creatine deficiency syndrome. Last evaluated: 2022-10-13. Review status: criteria provided, single submitter. Criteria: Invitae Variant Classification Sherloc (09022015). Collection method: clinical testing. Allele origin: germline.
Comment: This sequence change replaces histidine, which is basic and polar, with aspartic acid, which is acidic and polar, at codon 51 of the GAMT protein (p.His51Asp). This variant is present in population databases (no rsID available, gnomAD 0.003%). This variant has not been reported in the literature in individuals affected with GAMT-related conditions. ClinVar contains an entry for this variant (Variation ID: 429489). Advanced modeling of protein sequence and biophysical properties (such as structural, functional, and spatial information, amino acid conservation, physicochemical variation, residue mobility, and thermodynamic stability) has been performed at Invitae for this missense variant, however the output from this modeling did not meet the statistical confidence thresholds required to predict the impact of this variant on GAMT protein function. In summary, the available evidence is currently insufficient to determine the role of this variant in disease. Therefore, it has been classified as a Variant of Uncertain Significance.

GeneDx
Classification: Uncertain significance. Last evaluated: 2017-05-03. Review status: criteria provided, single submitter. Criteria: GeneDx Variant Classification (06012015). Collection method: clinical testing. Allele origin: germline. Affected: yes.
Comment: A variant of uncertain significance has been identified in the GAMT gene. The H51D variant has not been published as a pathogenic variant, nor has it been reported as a benign variant to our knowledge. The H51D variant is not observed in large population cohorts (Lek et al., 2016; 1000 Genomes Consortium et al., 2015; Exome Variant Server). The H51D variant is a non-conservative amino acid substitution, which is likely to impact secondary protein structure as these residues differ in polarity, charge, size and/or other properties. This substitution occurs at a position that is conserved across species, and a different missense variant at the same residue (H51P) as well as missense variants in nearby residues (M50L, A54P) have been reported in the Human Gene Mutation Database in association with GAMT deficiency (Stenson et al., 2014), supporting the functional importance of this region of the protein. In silico analysis predicts this variant is probably damaging to the protein structure/function. Based on the currently available information, it is unclear whether this variant is a pathogenic variant or a rare benign variant.